The following is an entry in ClinVar:

ClinVar aggregate classification (germline): Uncertain significance (1 of 4 stars; one submission).

Conditions:
Familial cancer of breast. Also called: hereditary breast carcinoma; BREAST CANCER, FAMILIAL; Hereditary breast cancer. Identifiers: Orphanet 227535, MedGen C0346153, MONDO:0016419, OMIM 114480. Disease mechanism: loss of function.

Allele frequency attached by ClinVar (database versions not stated): gnomAD exomes below 0.00001.
gnomAD v4.1: 1 of 1,613,864 alleles (0.000062%); highest among the groups gnomAD compares: Admixed American, 0.0017%; no homozygotes.

Submission:

Labcorp Genetics (formerly Invitae), Labcorp
Classification: Uncertain significance for Familial cancer of breast. Last evaluated: 2018-01-23. Review status: criteria provided, single submitter. Criteria: Invitae Variant Classification Sherloc (09022015). Collection method: clinical testing. Allele origin: germline.
Comment: In summary, the available evidence is currently insufficient to determine the role of this variant in disease. Therefore, it has been classified as a Variant of Uncertain Significance. Algorithms developed to predict the effect of missense changes on protein structure and function (SIFT, PolyPhen-2, Align-GVGD) all suggest that this variant is likely to be disruptive, but these predictions have not been confirmed by published functional studies and their clinical significance is uncertain. This variant has not been reported in the literature in individuals with CHEK2-related disease. This variant is not present in population databases (ExAC no frequency). This sequence change replaces threonine with alanine at codon 65 of the CHEK2 protein (p.Thr65Ala). The threonine residue is highly conserved and there is a small physicochemical difference between threonine and alanine.

NM_007194.4(CHEK2):c.193A>G (p.Thr65Ala)

Gene: CHEK2 (checkpoint kinase 2; minus strand). Cytogenetic location: 22q12.1.
Variant type: single nucleotide variant.
Coding change: c.193A>G on transcript NM_007194.4 (MANE Select); coding-DNA position 193, A replaced by G.
Protein change: p.Thr65Ala; replaces threonine 65 with alanine.
Molecular consequence: missense variant.
Genome position (GRCh38, 1-based): chr22:28,734,529, T>C on the plus strand (A>G on the coding strand, the complement: CHEK2 is on the minus strand). VCF-style: chr22-28734529-T-C. GRCh37 (hg19) VCF-style: chr22-29130517-T-C.
Other names: c.193A>G, p.Thr65Ala (NM_001005735.3, NM_001349956.3, NM_145862.3); c.-585A>G (NM_001257387.3); short protein forms T65A.
Identifiers: ClinVar variation 571406 (VCV000571406.9), dbSNP rs1308200351, ClinGen allele CA411090825.